The following is an entry in ClinVar:

ClinVar aggregate classification (germline): Uncertain significance. Review status: criteria provided, multiple submitters, no conflicts (2 of 4 stars). 2 submissions from 2 submitters: Uncertain significance (2). Last evaluated 2022-09-13.

Conditions:
Cardiovascular phenotype. Identifiers: MedGen CN230736.
Danon disease. Also called: PSEUDOGLYCOGENOSIS II; Glycogen Storage Disease Type IIb; GSD IIb; LYSOSOMAL GLYCOGEN STORAGE DISEASE WITHOUT ACID MALTASE DEFICIENCY; ANTOPOL DISEASE. Identifiers: Orphanet 34587, MedGen C0878677, MONDO:0010281, OMIM 300257.

Allele frequency attached by ClinVar (database versions not stated): gnomAD 0.00001.

Submissions (2):

Labcorp Genetics (formerly Invitae), Labcorp
Classification: Uncertain significance for Danon disease. Last evaluated: 2022-09-13. Review status: criteria provided, single submitter. Criteria: Invitae Variant Classification Sherloc (09022015). Collection method: clinical testing. Allele origin: germline.
Comment: This sequence change replaces valine, which is neutral and non-polar, with methionine, which is neutral and non-polar, at codon 357 of the LAMP2 protein (p.Val357Met). This variant is present in population databases (no rsID available, gnomAD 0.009%). This variant has not been reported in the literature in individuals affected with LAMP2-related conditions. ClinVar contains an entry for this variant (Variation ID: 263725). Advanced modeling of protein sequence and biophysical properties (such as structural, functional, and spatial information, amino acid conservation, physicochemical variation, residue mobility, and thermodynamic stability) performed at Invitae indicates that this missense variant is expected to disrupt LAMP2 protein function. In summary, the available evidence is currently insufficient to determine the role of this variant in disease. Therefore, it has been classified as a Variant of Uncertain Significance.

Ambry Genetics
Classification: Uncertain significance for Cardiovascular phenotype. Last evaluated: 2021-01-07. Review status: criteria provided, single submitter. Criteria: Ambry Variant Classification Scheme 2023. Collection method: clinical testing. Allele origin: germline.
Comment: The p.V357M variant (also known as c.1069G>A), located in coding exon 8 of the LAMP2 gene, results from a G to A substitution at nucleotide position 1069. The valine at codon 357 is replaced by methionine, an amino acid with highly similar properties. Based on data from gnomAD, the A allele has an overall frequency of 0.005% (1/ 21992) total alleles studied, with 0 hemizygotes observed. The highest observed frequency was 0.009% (1/10842) of non-Finnish European alleles This amino acid position is highly conserved in available vertebrate species. In addition, the in silico prediction for this alteration is inconclusive. Since supporting evidence is limited at this time, the clinical significance of this alteration remains unclear.

NM_002294.3(LAMP2):c.1069G>A (p.Val357Met)

Gene: LAMP2 (lysosome associated membrane protein 2; minus strand). Cytogenetic location: Xq24.
Variant type: single nucleotide variant.
Coding change: c.1069G>A on transcript NM_002294.3 (MANE Select); coding-DNA position 1069, G replaced by A.
Protein change: p.Val357Met; replaces valine 357 with methionine.
Molecular consequence: missense variant.
Genome position (GRCh38, 1-based): chrX:120,441,754, C>T on the plus strand (G>A on the coding strand, the complement: LAMP2 is on the minus strand). VCF-style: chrX-120441754-C-T. GRCh37 (hg19) VCF-style: chrX-119575609-C-T.
Other names: c.1069G>A, p.Val357Met (NM_001122606.1, NM_013995.2); short protein forms V357M.
Identifiers: ClinVar variation 263725 (VCV000263725.14), dbSNP rs886038907, ClinGen allele CA10587957.